The following is an entry in ClinVar:

NM_030912.3(TRIM8):c.592dup (p.Asp198fs)

Gene: TRIM8 (tripartite motif containing 8; plus strand). Cytogenetic location: 10q24.32.
Variant type: Duplication.
Coding change: c.592dup on transcript NM_030912.3 (MANE Select); coding-DNA position 592, one base duplicated (G; older notation c.592dupG).
Protein change: p.Asp198fs; shifts the reading frame from aspartic acid 198.
Molecular consequence: frameshift variant. On other transcripts: non-coding transcript variant (1), intron variant (1).
Genome position (GRCh38, 1-based): chr10:102,654,674, G duplicated; the last of 2 consecutive G bases (chr10:102,654,673-102,654,674); duplicating either gives the same sequence. VCF-style (leftmost placement, unchanged base first): chr10-102654672-A-AG. GRCh37 (hg19) VCF-style: chr10-104414429-A-AG.
Other names: c.571-406dup (NM_001345950.1); short protein forms D198fs.
Identifiers: ClinVar variation 3728179 (VCV003728179.2).

ClinVar aggregate classification (germline): Uncertain significance (1 of 4 stars; one submission).

Submission:

Labcorp Genetics (formerly Invitae), Labcorp
Classification: Uncertain significance. Last evaluated: 2025-03-11. Review status: criteria provided, single submitter. Criteria: Invitae Variant Classification Sherloc (09022015). Collection method: clinical testing. Allele origin: germline.
Comment: This sequence change creates a premature translational stop signal (p.Asp198Glyfs*11) in the TRIM8 gene. It is expected to result in an absent or disrupted protein product. However, the current clinical and genetic evidence is not sufficient to establish whether loss-of-function variants in TRIM8 cause disease. This variant is not present in population databases (gnomAD no frequency). This variant has not been reported in the literature in individuals affected with TRIM8-related conditions. In summary, the available evidence is currently insufficient to determine the role of this variant in disease. Therefore, it has been classified as a Variant of Uncertain Significance.